The following is an entry in ClinVar:

ClinVar aggregate classification (germline): Likely benign. Review status: criteria provided, multiple submitters, no conflicts (2 of 4 stars). 3 submissions from 3 submitters: Likely benign (3). Last evaluated 2026-09-15.

Conditions:
IGHMBP2-related disorder. Also called: IGHMBP2-related disorders; IGHMBP2-related condition.
Charcot-Marie-Tooth disease axonal type 2S. Also called: CHARCOT-MARIE-TOOTH DISEASE, AXONAL, AUTOSOMAL RECESSIVE, TYPE 2S; CHARCOT-MARIE-TOOTH NEUROPATHY, TYPE 2S. Identifiers: Orphanet 443073, MedGen C4015349, MONDO:0014511, OMIM 616155.
Autosomal recessive distal spinal muscular atrophy 1. Also called: HMN VI; NEURONOPATHY, SEVERE INFANTILE AXONAL, WITH RESPIRATORY FAILURE; SEVERE INFANTILE AXONAL NEUROPATHY WITH RESPIRATORY FAILURE; SPINAL MUSCULAR ATROPHY, DIAPHRAGMATIC; Spinal muscular atrophy with respiratory distress 1; NEURONOPATHY, DISTAL HEREDITARY MOTOR, HARDING TYPE VI. Identifiers: Orphanet 98920, MedGen C1858517, MONDO:0011436, OMIM 604320.

Allele frequency attached by ClinVar (database versions not stated): ExAC 0.00001; gnomAD 0.00001; gnomAD exomes 0.00001 and 0.00002; TOPMed 0.00002; ESP Exome Variant Server 0.00008.

Submissions (3):

PreventionGenetics, part of Exact Sciences
Classification: Likely benign for IGHMBP2-related condition. Last evaluated: 2026-09-15. Review status: criteria provided, single submitter. Criteria: ACMG Guidelines, 2015. Collection method: clinical testing. Allele origin: germline.
Comment: This variant is classified as likely benign based on ACMG/AMP sequence variant interpretation guidelines (Richards et al. 2015 PMID: 25741868, with internal and published modifications).

Labcorp Genetics (formerly Invitae), Labcorp
Classification: Likely benign for Autosomal recessive distal spinal muscular atrophy 1; Charcot-Marie-Tooth disease axonal type 2S. Last evaluated: 2024-11-03. Review status: criteria provided, single submitter. Criteria: Invitae Variant Classification Sherloc (09022015). Collection method: clinical testing. Allele origin: germline.

ARUP Laboratories, Molecular Genetics and Genomics, ARUP Laboratories
Classification: Likely benign. Last evaluated: 2022-03-09. Review status: criteria provided, single submitter. Criteria: ARUP Molecular Germline Variant Investigation Process 2021. Collection method: clinical testing. Allele origin: germline.

NM_002180.3(IGHMBP2):c.2862C>T (p.Ser954=)

Gene: IGHMBP2 (immunoglobulin mu DNA binding protein 2; plus strand). Cytogenetic location: 11q13.3.
Variant type: single nucleotide variant.
Coding change: c.2862C>T on transcript NM_002180.3 (MANE Select); coding-DNA position 2862, C replaced by T.
Protein change: p.Ser954=; no amino-acid change (serine 954 retained).
Molecular consequence: synonymous variant.
Genome position (GRCh38, 1-based): chr11:68,939,611, C>T. VCF-style: chr11-68939611-C-T. GRCh37 (hg19) VCF-style: chr11-68707079-C-T.
Other names: c.2862C>T (NM_002180.2).
Identifiers: ClinVar variation 1611133 (VCV001611133.11), dbSNP rs377433281, ClinGen allele CA6154044.